The following is an entry in ClinVar:

NM_000179.3(MSH6):c.4058T>C (p.Leu1353Ser)

Gene: MSH6 (mutS homolog 6; plus strand). Cytogenetic location: 2p16.3.
Variant type: single nucleotide variant.
Coding change: c.4058T>C on transcript NM_000179.3 (MANE Select); coding-DNA position 4058, T replaced by C.
Protein change: p.Leu1353Ser; replaces leucine 1353 with serine.
Molecular consequence: missense variant.
Genome position (GRCh38, 1-based): chr2:47,806,835, T>C. VCF-style: chr2-47806835-T-C. GRCh37 (hg19) VCF-style: chr2-48033974-T-C.
Other names: c.3668T>C, p.Leu1223Ser (NM_001281492.2); c.3152T>C, p.Leu1051Ser (NM_001281493.2, NM_001281494.2); short protein forms L1353S, L1223S, L1051S.
Identifiers: ClinVar variation 495721 (VCV000495721.1), dbSNP rs56238300, ClinGen allele CA346761733.

ClinVar aggregate classification (germline): Uncertain significance (1 of 4 stars; one submission).

Submission:

Women's Health and Genetics/Laboratory Corporation of America, LabCorp
Classification: Uncertain significance. Last evaluated: 2016-07-11. Review status: criteria provided, single submitter. Criteria: LabCorp Variant Classification Summary - May 2015. Collection method: clinical testing. Allele origin: germline.
Comment: Variant summary: The MSH6 c.4058T>C (p.Leu1353Ser) variant causes a missense change involving a conserved nucleotide with 3/5 in silico tools predicting a benign outcome, although these predictions have yet to be functionally assessed. Leu1353 is not located in a known functional domain of the DNA mismatch repair protein Msh6. The variant of interest was not observed in controls (ExAC, 1000 Gs or ESP), nor has it been, to our knowledge, reported in affected individuals via publications and/or reputable databases/clinical laboratories. Therefore, taking all available lines of evidence into consideration, the variant of interest has been classified as a "Variant of Uncertain Significance (VUS)," until additional information becomes available.